The following is an entry in ClinVar:

NM_000168.6(GLI3):c.3638A>C (p.Tyr1213Ser)

Gene: GLI3 (GLI family zinc finger 3; minus strand). Cytogenetic location: 7p14.1.
Variant type: single nucleotide variant.
Coding change: c.3638A>C on transcript NM_000168.6 (MANE Select); coding-DNA position 3638, A replaced by C.
Protein change: p.Tyr1213Ser; replaces tyrosine 1213 with serine.
Molecular consequence: missense variant.
Genome position (GRCh38, 1-based): chr7:41,965,435, T>G on the plus strand (A>C on the coding strand, the complement: GLI3 is on the minus strand). VCF-style: chr7-41965435-T-G. GRCh37 (hg19) VCF-style: chr7-42005033-T-G.
Other names: short protein forms Y1213S.
Identifiers: ClinVar variation 4794880 (VCV004794880.1).

ClinVar aggregate classification (germline): Uncertain significance (1 of 4 stars; one submission).

Conditions:
Pallister-Hall syndrome (PHS). Also called: HYPOTHALAMIC HAMARTOBLASTOMA, HYPOPITUITARISM, IMPERFORATE ANUS, AND POSTAXIAL POLYDACTYLY; GLI3-Related Pallister-Hall Syndrome. Identifiers: Orphanet 672, MedGen C0265220, MONDO:0007804, OMIM 146510.
Greig cephalopolysyndactyly syndrome (GCPS). Also called: POLYSYNDACTYLY WITH PECULIAR SKULL SHAPE; Greig syndrome; GLI3-Related Greig Cephalopolysyndactyly Syndrome. Identifiers: Orphanet 380, MedGen C0265306, MONDO:0008287, OMIM 175700.

gnomAD v4.1: 2 of 1,607,660 alleles (0.00012%); highest among the groups gnomAD compares: African/African-American, 0.0013%; no homozygotes.

Submission:

Labcorp Genetics (formerly Invitae), Labcorp
Classification: Uncertain significance for Pallister-Hall syndrome; Greig cephalopolysyndactyly syndrome. Last evaluated: 2025-07-29. Review status: criteria provided, single submitter. Criteria: Invitae Variant Classification Sherloc (09022015). Collection method: clinical testing. Allele origin: germline.
Comment: This sequence change replaces tyrosine, which is neutral and polar, with serine, which is neutral and polar, at codon 1213 of the GLI3 protein (p.Tyr1213Ser). This variant is not present in population databases (gnomAD no frequency). This variant has not been reported in the literature in individuals affected with GLI3-related conditions. Invitae Evidence Modeling of protein sequence and biophysical properties (such as structural, functional, and spatial information, amino acid conservation, physicochemical variation, residue mobility, and thermodynamic stability) indicates that this missense variant is not expected to disrupt GLI3 protein function with a negative predictive value of 95%. In summary, the available evidence is currently insufficient to determine the role of this variant in disease. Therefore, it has been classified as a Variant of Uncertain Significance.